The following is an entry in ClinVar:

NM_000218.3(KCNQ1):c.274T>C (p.Ser92Pro)

Gene: KCNQ1 (potassium voltage-gated channel subfamily Q member 1; plus strand). Cytogenetic location: 11p15.5.
Variant type: single nucleotide variant.
Coding change: c.274T>C on transcript NM_000218.3 (MANE Select); coding-DNA position 274, T replaced by C.
Protein change: p.Ser92Pro; replaces serine 92 with proline.
Molecular consequence: missense variant.
Genome position (GRCh38, 1-based): chr11:2,445,372, T>C. VCF-style: chr11-2445372-T-C. GRCh37 (hg19) VCF-style: chr11-2466602-T-C.
Other names: short protein forms S92P.
Identifiers: ClinVar variation 577361 (VCV000577361.9), dbSNP rs764455359, ClinGen allele CA034728.

ClinVar aggregate classification (germline): Uncertain significance (1 of 4 stars; one submission).

Conditions:
Long QT syndrome (LQTS). Identifiers: MedGen C0023976, MeSH D008133, MONDO:0002442. Disease mechanism: loss of function. Inheritance: Various modes of inheritance.

Allele frequency attached by ClinVar (database versions not stated): ExAC 0.00001; gnomAD exomes 0.00001 and 0.00002.
gnomAD v4.1: 4 of 1,597,558 alleles (0.00025%); highest among the groups gnomAD compares: Admixed American, 0.0067%; no homozygotes.

Submission:

Labcorp Genetics (formerly Invitae), Labcorp
Classification: Uncertain significance for Long QT syndrome. Last evaluated: 2018-03-14. Review status: criteria provided, single submitter. Criteria: Invitae Variant Classification Sherloc (09022015). Collection method: clinical testing. Allele origin: germline.
Comment: In summary, the available evidence is currently insufficient to determine the role of this variant in disease. Therefore, it has been classified as a Variant of Uncertain Significance. Algorithms developed to predict the effect of missense changes on protein structure and function do not agree on the potential impact of this missense change (SIFT: "Deleterious"; PolyPhen-2: "Possibly Damaging"; Align-GVGD: "Class C15"). This variant has not been reported in the literature in individuals with KCNQ1-related disease. This variant is present in population databases (rs764455359, ExAC 0.01%). This sequence change replaces serine with proline at codon 92 of the KCNQ1 protein (p.Ser92Pro). The serine residue is highly conserved and there is a moderate physicochemical difference between serine and proline.